The following is an entry in ClinVar:

NM_001384732.1(CPLANE1):c.968C>T (p.Thr323Met)

Gene: CPLANE1 (ciliogenesis and planar polarity effector complex subunit 1; minus strand). Cytogenetic location: 5p13.2.
Variant type: single nucleotide variant.
Coding change: c.968C>T on transcript NM_001384732.1 (MANE Select); coding-DNA position 968, C replaced by T.
Protein change: p.Thr323Met; replaces threonine 323 with methionine.
Molecular consequence: missense variant.
Genome position (GRCh38, 1-based): chr5:37,231,020, G>A on the plus strand (C>T on the coding strand, the complement: CPLANE1 is on the minus strand). VCF-style: chr5-37231020-G-A. GRCh37 (hg19) VCF-style: chr5-37231122-G-A.
Other names: c.968C>T, p.Thr323Met (NM_023073.4); short protein forms T323M.
Identifiers: ClinVar variation 199170 (VCV000199170.13), dbSNP rs373704405, ClinGen allele CA248228.

ClinVar aggregate classification (germline): Conflicting classifications of pathogenicity. Review status: criteria provided, conflicting classifications (1 of 4 stars). 6 submissions from 6 submitters: Pathogenic (1); Likely pathogenic (2); Uncertain significance (3). Last evaluated 2025-06-03.

Conditions:
Orofaciodigital syndrome type 6 (OFD6). Also called: OROFACIODIGITAL SYNDROME VI; OFDS VI; POLYDACTYLY, CLEFT LIP/PALATE OR LINGUAL LUMP, AND PSYCHOMOTOR RETARDATION; VARADI SYNDROME; VARADI-PAPP SYNDROME; Oral-facial-digital syndrome type 6. Identifiers: Orphanet 2754, MedGen C2745997, MONDO:0010176, OMIM 277170.
Joubert syndrome 17 (JBTS17). Identifiers: Orphanet 475, MedGen C3553264, MONDO:0013824, OMIM 614615.

Allele frequency attached by ClinVar (database versions not stated): gnomAD exomes 0.00003; ExAC 0.00005; TOPMed 0.00005; 1000 Genomes Project 30x 0.00016; 1000 Genomes Project 0.00020; ESP Exome Variant Server 0.00022.

Submissions (6):

Labcorp Genetics (formerly Invitae), Labcorp
Classification: Likely pathogenic. Last evaluated: 2025-06-03. Review status: criteria provided, single submitter. Criteria: Invitae Variant Classification Sherloc (09022015). Collection method: clinical testing. Allele origin: germline.
Comment: This sequence change replaces threonine, which is neutral and polar, with methionine, which is neutral and non-polar, at codon 323 of the CPLANE1 protein (p.Thr323Met). This variant is present in population databases (rs373704405, gnomAD 0.009%). This missense change has been observed in individual(s) with Joubert syndrome (PMID: 26092869). ClinVar contains an entry for this variant (Variation ID: 199170). Invitae Evidence Modeling of protein sequence and biophysical properties (such as structural, functional, and spatial information, amino acid conservation, physicochemical variation, residue mobility, and thermodynamic stability) has been performed for this missense variant. However, the output from this modeling did not meet the statistical confidence thresholds required to predict the impact of this variant on CPLANE1 protein function. In summary, the currently available evidence indicates that the variant is pathogenic, but additional data are needed to prove that conclusively. Therefore, this variant has been classified as Likely Pathogenic.

Fulgent Genetics
Classification: Likely pathogenic for Orofaciodigital syndrome type 6; Joubert syndrome 17. Last evaluated: 2024-02-20. Review status: criteria provided, single submitter. Criteria: ACMG Guidelines, 2015. Collection method: clinical testing. Allele origin: germline.

Blueprint Genetics
Classification: Uncertain significance. Last evaluated: 2022-12-16. Review status: criteria provided, single submitter. Criteria: ACMG Guidelines, 2015. Collection method: clinical testing. Allele origin: germline.

UW Hindbrain Malformation Research Program, University of Washington
Classification: Pathogenic for Joubert syndrome 17. Last evaluated: 2015-02-23. Review status: criteria provided, single submitter. Criteria: Bachmann-Gagescu et al. (J Med Genet. 2015). Collection method: research. Allele origin: unknown. Affected: yes.

Eurofins Ntd Llc (ga)
Classification: Uncertain significance. Last evaluated: 2015-02-14. Review status: criteria provided, single submitter. Criteria: EGL Classification Definitions 2015. Collection method: clinical testing. Allele origin: germline. Observed: 1 variant allele, 1 heterozygote.

Neuberg Centre For Genomic Medicine, NCGM
Classification: Uncertain significance for Joubert syndrome 17. Review status: criteria provided, single submitter. Criteria: ACMG Guidelines, 2015. Collection method: clinical testing. Allele origin: germline. Inheritance: Autosomal recessive inheritance. Affected: yes.
Comment: The missense variant c.968C>Tp.Thr323Met in CPLANE1 gene has been reported in compound heterozygous state in individual affected with Joubert syndrome 17 Bachmann-Gagescu et. al., 2015. The observed variant has been reported with allele frequency of 0.003% in gnomAD exomes database. This variant has been reported to the ClinVar database as Pathogenic/Uncertain Significance. The amino acid change p.Thr323Met in CPLANE1 is predicted as conserved by GERP++ and PhyloP across 100 vertebrates. The amino acid Thr at position 323 is changed to a Met changing protein sequence and it migalter its composition and physico-chemical properties. Functional studies will be required to confirm the pathogenicity of the variant. For these reasons, this variant has been classified as Uncertain Significance VUS.

Literature cited by the submitters: PubMed 26092869 (cited by Labcorp Genetics (formerly Invitae), Labcorp).